The following is an entry in ClinVar:

NC_000015.9:g.(?_64701792)_(64706430_?)dup

Gene: TRIP4 (thyroid hormone receptor interactor 4; plus strand). Cytogenetic location: 15q22.31.
Variant type: Duplication.
Identifiers: ClinVar variation 3243891 (VCV003243891.1).

ClinVar aggregate classification (germline): Likely pathogenic (1 of 4 stars; one submission).

Submission:

Labcorp Genetics (formerly Invitae), Labcorp
Classification: Likely pathogenic. Last evaluated: 2023-11-17. Review status: criteria provided, single submitter. Criteria: Invitae Variant Classification Sherloc (09022015). Collection method: clinical testing. Allele origin: unknown.
Comment: This variant results in a copy number gain of the genomic region encompassing exon(s) 7-8 of the TRIP4 gene. While the exact position of this variant cannot be determined from the data, sub-genic copy number gains are generally in tandem (PMID: 25640679). This variant is predicted to be out-of-frame, and may result in an absent or disrupted protein product. Loss-of-function variants in TRIP4 are known to be pathogenic (PMID: 26924529, 27008887). This variant has not been reported in the literature in individuals affected with TRIP4-related conditions. In summary, the currently available evidence indicates that the variant is pathogenic, but additional data are needed to prove that conclusively. Therefore, this variant has been classified as Likely Pathogenic.

Literature cited by the submitters: PubMed 25640679; PubMed 26924529; PubMed 27008887.